The following is an entry in ClinVar:

ClinVar aggregate classification (germline): Uncertain significance (1 of 4 stars; one submission).

Conditions:
Mitochondrial complex II deficiency, nuclear type 1. Also called: SUCCINATE CoQ REDUCTASE DEFICIENCY. Identifiers: Orphanet 3208, MedGen C5700310, MONDO:0100294, OMIM 252011.
Pheochromocytoma/paraganglioma syndrome 5. Also called: Paragangliomas 5; SDHA-Related Hereditary Paraganglioma-Pheochromocytoma Syndrome. Identifiers: Orphanet 29072, MedGen C3279992, MONDO:0013602, OMIM 614165.

Submission:

Labcorp Genetics (formerly Invitae), Labcorp
Classification: Uncertain significance for Pheochromocytoma/paraganglioma syndrome 5; Mitochondrial complex II deficiency, nuclear type 1. Last evaluated: 2023-07-16. Review status: criteria provided, single submitter. Criteria: Invitae Variant Classification Sherloc (09022015). Collection method: clinical testing. Allele origin: germline.
Comment: In summary, the available evidence is currently insufficient to determine the role of this variant in disease. Therefore, it has been classified as a Variant of Uncertain Significance. This variant disrupts the p.Gly260 amino acid residue in SDHA. Other variant(s) that disrupt this residue have been determined to be pathogenic (PMID: 25394176, 28384794, 33219105, 33397043; Invitae). This suggests that this residue is clinically significant, and that variants that disrupt this residue are likely to be disease-causing. Advanced modeling of protein sequence and biophysical properties (such as structural, functional, and spatial information, amino acid conservation, physicochemical variation, residue mobility, and thermodynamic stability) has been performed at Invitae for this missense variant, however the output from this modeling did not meet the statistical confidence thresholds required to predict the impact of this variant on SDHA protein function. This variant has not been reported in the literature in individuals affected with SDHA-related conditions. This variant is not present in population databases (gnomAD no frequency). This sequence change replaces glycine, which is neutral and non-polar, with glutamic acid, which is acidic and polar, at codon 260 of the SDHA protein (p.Gly260Glu).

Literature cited by the submitters: PubMed 25394176; PubMed 28384794; PubMed 33219105; PubMed 33397043.

NM_004168.4(SDHA):c.779G>A (p.Gly260Glu)

Gene: SDHA (succinate dehydrogenase complex flavoprotein subunit A; plus strand). Cytogenetic location: 5p15.33.
Variant type: single nucleotide variant.
Coding change: c.779G>A on transcript NM_004168.4 (MANE Select); coding-DNA position 779, G replaced by A.
Protein change: p.Gly260Glu; replaces glycine 260 with glutamic acid.
Molecular consequence: missense variant.
Genome position (GRCh38, 1-based): chr5:230,884, G>A. VCF-style: chr5-230884-G-A. GRCh37 (hg19) VCF-style: chr5-230999-G-A.
Other names: c.635G>A, p.Gly212Glu (NM_001294332.2); c.779G>A, p.Gly260Glu (NM_001330758.2); short protein forms G212E, G260E.
Identifiers: ClinVar variation 2929637 (VCV002929637.3), dbSNP rs2477331872, ClinGen allele CA359011541.